The following is an entry in ClinVar:

ClinVar aggregate classification (germline): Uncertain significance. Review status: reviewed by expert panel (3 of 4 stars). 9 submissions from 9 submitters: Uncertain significance (1). 8 of the submissions do not count toward it. Last evaluated 2019-09-27.

Conditions:
Phenylketonuria (PKU). Also called: Phenylketonuria (PKU); OLIGOPHRENIA PHENYLPYRUVICA; FOLLING DISEASE; Phenylketonurias. Identifiers: Orphanet 716, MedGen C0031485, MONDO:0009861, OMIM 261600. Disease mechanism: loss of function.

Allele frequency attached by ClinVar (database versions not stated): ESP Exome Variant Server 0.00100; gnomAD 0.00103 and 0.00126; TOPMed 0.00114; gnomAD exomes 0.00128 and 0.00219; ExAC 0.00216; 1000 Genomes Project 30x 0.00219; 1000 Genomes Project 0.00260.
gnomAD v4.1: 2,076 of 1,607,698 alleles (0.13%); highest among the groups gnomAD compares: Middle Eastern, 1.2%; 15 homozygotes.

Submissions (9):

ClinGen PAH Variant Curation Expert Panel
Classification: Uncertain significance for Phenylketonuria. Last evaluated: 2019-09-27. Review status: reviewed by expert panel. Criteria: ClinGen PAH ACMG Specifications v1. Collection method: curation. Allele origin: germline. Inheritance: Autosomal recessive inheritance.
Comment: The c.*19G>T variant in PAH has been reported in a 2 patients with PKU (PP4; PMID: 12765842, 26210745) This variant has an allele frequency greater than expected: gnomAD MAF=0.00812 (>0.002) and 8 homozygotes (BS1). Computational evidence is conflicting (TraP score: 0.085; HSF: activation of an exonic cryptic donor site; MaxENT 3' Motif:+1145.71). In summary, this variant meets criteria to be classified as uncertain significance for PAH. PAH-specific ACMG/AMP criteria applied: PP4, BS1.

CeGaT Center for Human Genetics Tuebingen
Classification: Likely benign. Last evaluated: 2026-04-01. Review status: criteria provided, single submitter. Criteria: CeGaT Center For Human Genetics Tuebingen Variant Classification Criteria Version 2. Collection method: clinical testing. Allele origin: germline. Affected: yes. Observed: 3 variant alleles. Not counted in ClinVar's aggregate classification.
Comment: PAH: BS2

Labcorp Genetics (formerly Invitae), Labcorp
Classification: Benign for Phenylketonuria. Last evaluated: 2024-02-24. Review status: criteria provided, single submitter. Criteria: Invitae Variant Classification Sherloc (09022015). Collection method: clinical testing. Allele origin: germline. Not counted in ClinVar's aggregate classification.

Women's Health and Genetics/Laboratory Corporation of America, LabCorp
Classification: Likely benign. Last evaluated: 2023-01-25. Review status: criteria provided, single submitter. Criteria: LabCorp Variant Classification Summary - May 2015. Collection method: clinical testing. Allele origin: germline. Not counted in ClinVar's aggregate classification.
Comment: Variant summary: PAH c.*19G>T is located in the untranslated mRNA region downstream of the termination codon. The variant allele was found at a frequency of 0.0022 in 252634 control chromosomes (gnomAD, da Silva_2003, Alibakhshi_2022), predominantly at a frequency of 0.0081 within the South Asian subpopulation in the gnomAD database, including 4 homozygotes. This frequency is slightly higher than expected for a pathogenic variant in PAH causing Phenylalanine Hydroxylase Deficiency (Phenylketonuria) (0.0081 vs 0.0079), suggesting this variant is likely a benign polymorphism found primarily in South Asians. The variant has been reported in the literature in individuals affected with Phenylalanine Hydroxylase Deficiency (Phenylketonuria) (da Silva_2003, Trunzo_2015). However, co-occurrence with another pathogenic variant (in cis) has been reported (PAH c.1223G>A, p.R408Q), providing supporting evidence for a benign role (Trunzo_2015). To our knowledge, no experimental evidence demonstrating an impact on protein function has been reported. Six ClinVar submitters have assessed the variant since 2014: three submitters (including one expert panel) classified the variant as uncertain significance, two as likely benign, and one as benign. Based on the evidence outlined above, the variant was classified as likely benign.

Genome-Nilou Lab
Classification: Uncertain significance for Phenylketonuria. Last evaluated: 2021-05-18. Review status: criteria provided, single submitter. Criteria: ACMG Guidelines, 2015. Collection method: clinical testing. Allele origin: germline. Affected: no. Not counted in ClinVar's aggregate classification.

GeneDx
Classification: Likely benign. Last evaluated: 2017-08-17. Review status: criteria provided, single submitter. Criteria: GeneDx Variant Classification (06012015). Collection method: clinical testing. Allele origin: germline. Affected: yes. Not counted in ClinVar's aggregate classification.
Comment: This variant is considered likely benign or benign based on one or more of the following criteria: it is a conservative change, it occurs at a poorly conserved position in the protein, it is predicted to be benign by multiple in silico algorithms, and/or has population frequency not consistent with disease.

Quest Diagnostics Nichols Institute San Juan Capistrano
Classification: Likely benign. Last evaluated: 2017-07-17. Review status: criteria provided, single submitter. Criteria: Quest Diagnostics criteria. Collection method: clinical testing. Allele origin: germline. Not counted in ClinVar's aggregate classification.

PreventionGenetics, part of Exact Sciences
Classification: Likely benign. Review status: criteria provided, single submitter. Criteria: ACMG Guidelines, 2015. Collection method: clinical testing. Allele origin: germline. Not counted in ClinVar's aggregate classification.

Counsyl
Classification: Uncertain significance for Phenylketonuria. Last evaluated: 2017-04-27. Review status: no assertion criteria provided. Collection method: clinical testing. Allele origin: unknown. Not counted in ClinVar's aggregate classification.

Literature cited by the submitters: PubMed 26210745 (cited by 3 submitters); PubMed 12765842 (cited by 3 submitters); PubMed 35339094 (cited by Women's Health and Genetics/Laboratory Corporation of America, LabCorp).

NM_000277.3(PAH):c.*19G>T

Gene: PAH (phenylalanine hydroxylase; minus strand). Cytogenetic location: 12q23.2.
Variant type: single nucleotide variant.
Coding change: c.*19G>T on transcript NM_000277.3 (MANE Select); 19 bases downstream of the stop codon, G replaced by T.
Molecular consequence: 3 prime UTR variant.
Genome position (GRCh38, 1-based): chr12:102,839,156, C>A on the plus strand (G>T on the coding strand, the complement: PAH is on the minus strand). VCF-style: chr12-102839156-C-A. GRCh37 (hg19) VCF-style: chr12-103232934-C-A.
Other names: c.*19G>T (NM_001354304.2).
Identifiers: ClinVar variation 255733 (VCV000255733.27), dbSNP rs372637021, ClinGen allele CA6748669.